The following is an entry in ClinVar:

NM_017617.5(NOTCH1):c.7016C>A (p.Ala2339Asp)

Gene: NOTCH1 (notch receptor 1; minus strand). Cytogenetic location: 9q34.3.
Variant type: single nucleotide variant.
Coding change: c.7016C>A on transcript NM_017617.5 (MANE Select); coding-DNA position 7016, C replaced by A.
Protein change: p.Ala2339Asp; replaces alanine 2339 with aspartic acid.
Molecular consequence: missense variant.
Genome position (GRCh38, 1-based): chr9:136,496,723, G>T on the plus strand (C>A on the coding strand, the complement: NOTCH1 is on the minus strand). VCF-style: chr9-136496723-G-T. GRCh37 (hg19) VCF-style: chr9-139391175-G-T.
Other names: short protein forms A2339D.
Identifiers: ClinVar variation 845110 (VCV000845110.19), dbSNP rs773134608, ClinGen allele CA5339765.

ClinVar aggregate classification (germline): Conflicting classifications of pathogenicity. Review status: criteria provided, conflicting classifications (1 of 4 stars). 6 submissions from 5 submitters: Uncertain significance (5); Benign (1). Last evaluated 2025-12-24.

Conditions:
Aortic valve disease 1 (AOVD1). Identifiers: MedGen C3887892, MONDO:0024523, OMIM 109730.
Familial thoracic aortic aneurysm and aortic dissection (TAAD). Also called: Thoracic aortic aneurysms and dissections. Identifiers: Orphanet 91387, MedGen C4707243, MONDO:0019625.
Adams-Oliver syndrome 5 (AOS5). Identifiers: Orphanet 974, MedGen C4014970, MONDO:0014459, OMIM 616028.

Allele frequency attached by ClinVar (database versions not stated): TOPMed 0.00003; gnomAD 0.00005.

Submissions (6):

Labcorp Genetics (formerly Invitae), Labcorp
Classification: Benign for Adams-Oliver syndrome 5. Last evaluated: 2025-12-24. Review status: criteria provided, single submitter. Criteria: Invitae Variant Classification Sherloc (09022015). Collection method: clinical testing. Allele origin: germline.

GeneDx
Classification: Uncertain significance. Last evaluated: 2025-09-02. Review status: criteria provided, single submitter. Criteria: GeneDx Variant Classification Process June 2021. Collection method: clinical testing. Allele origin: germline. Affected: yes.
Comment: Has not been previously published as pathogenic or benign to our knowledge; In silico analysis suggests that this missense variant does not alter protein structure/function

Ambry Genetics
Classification: Uncertain significance for Familial thoracic aortic aneurysm and aortic dissection. Last evaluated: 2024-02-25. Review status: criteria provided, single submitter. Criteria: Ambry Variant Classification Scheme 2023. Collection method: clinical testing. Allele origin: germline.
Comment: The p.A2339D variant (also known as c.7016C>A), located in coding exon 34 of the NOTCH1 gene, results from a C to A substitution at nucleotide position 7016. The alanine at codon 2339 is replaced by aspartic acid, an amino acid with dissimilar properties. This amino acid position is not well conserved in available vertebrate species. In addition, the in silico prediction for this alteration is inconclusive. Since supporting evidence is limited at this time, the clinical significance of this alteration remains unclear.

Genome-Nilou Lab
Classification: Uncertain significance for Adams-Oliver syndrome 5. Last evaluated: 2022-03-15. Review status: criteria provided, single submitter. Criteria: ACMG Guidelines, 2015. Collection method: clinical testing. Allele origin: germline. Affected: no.

Genome-Nilou Lab
Classification: Uncertain significance for Aortic valve disease 1. Last evaluated: 2022-03-15. Review status: criteria provided, single submitter. Criteria: ACMG Guidelines, 2015. Collection method: clinical testing. Allele origin: germline. Affected: no.

CHEO Genetics Diagnostic Laboratory, Children's Hospital of Eastern Ontario
Classification: Uncertain significance for Familial thoracic aortic aneurysm and aortic dissection. Last evaluated: 2020-07-23. Review status: criteria provided, single submitter. Criteria: ACMG Guidelines, 2015. Collection method: clinical testing. Allele origin: germline.